The following is an entry in ClinVar:

ClinVar aggregate classification (germline): Pathogenic (1 of 4 stars; one submission).

Conditions:
Primary ciliary dyskinesia 3. Identifiers: Orphanet 244, MedGen C1837618, MONDO:0012085, OMIM 608644.

Submission:

Myriad Genetics, Inc.
Classification: Pathogenic for Primary ciliary dyskinesia 3. Last evaluated: 2023-10-25. Review status: criteria provided, single submitter. Criteria: Myriad Autosomal Dominant, Autosomal Recessive and X-Linked Classification Criteria (2023). Collection method: clinical testing. Allele origin: unknown.
Comment: NM_001369.2(DNAH5):c.10728G>A(W3576*) is expected to be pathogenic in the context of primary ciliary dyskinesia, DNAH5-related. This variant is predicted to lead to an abnormal or absent protein product due to the creation of a premature termination codon in DNAH5, a gene where loss-of-function variants are known to be pathogenic. Please note: this variant was assessed in the context of healthy population screening.

NM_001369.3(DNAH5):c.10728G>A (p.Trp3576Ter)

Gene: DNAH5 (dynein axonemal heavy chain 5; minus strand). Cytogenetic location: 5p15.2.
Variant type: single nucleotide variant.
Coding change: c.10728G>A on transcript NM_001369.3 (MANE Select); coding-DNA position 10728, G replaced by A.
Protein change: p.Trp3576Ter; replaces tryptophan 3576 with a stop codon.
Molecular consequence: nonsense.
Genome position (GRCh38, 1-based): chr5:13,753,377, C>T on the plus strand (G>A on the coding strand, the complement: DNAH5 is on the minus strand). VCF-style: chr5-13753377-C-T. GRCh37 (hg19) VCF-style: chr5-13753486-C-T.
Other names: short protein forms W3576*.
Identifiers: ClinVar variation 5010474 (VCV005010474.1).